The following is an entry in ClinVar:

NM_000929.3(PLA2G5):c.317del (p.Asn106fs)

Gene: PLA2G5 (phospholipase A2 group V; plus strand). Cytogenetic location: 1p36.13.
Variant type: Deletion.
Coding change: c.317del on transcript NM_000929.3 (MANE Select); coding-DNA position 317, one base deleted (A; older notation c.317delA).
Protein change: p.Asn106fs; shifts the reading frame from asparagine 106.
Molecular consequence: frameshift variant.
Genome position (GRCh38, 1-based): chr1:20,090,592, A deleted; the last of 2 consecutive A bases (chr1:20,090,591-20,090,592); deleting either gives the same sequence. VCF-style (leftmost placement, unchanged base first): chr1-20090590-GA-G. GRCh37 (hg19) VCF-style: chr1-20417083-GA-G.
Other names: short protein forms N106fs.
Identifiers: ClinVar variation 2077863 (VCV002077863.4), dbSNP rs2523591430, ClinGen allele CA2580061421.

ClinVar aggregate classification (germline): Uncertain significance (1 of 4 stars; one submission).

Submission:

Labcorp Genetics (formerly Invitae), Labcorp
Classification: Uncertain significance. Last evaluated: 2022-01-08. Review status: criteria provided, single submitter. Criteria: Invitae Variant Classification Sherloc (09022015). Collection method: clinical testing. Allele origin: germline.
Comment: In summary, the available evidence is currently insufficient to determine the role of this variant in disease. Therefore, it has been classified as a Variant of Uncertain Significance. Experimental studies and prediction algorithms are not available or were not evaluated, and the functional significance of this variant is currently unknown. This variant has not been reported in the literature in individuals affected with PLA2G5-related conditions. This variant is not present in population databases (gnomAD no frequency). This sequence change results in a frameshift in the PLA2G5 gene (p.Asn106Thrfs*110). While this is not anticipated to result in nonsense mediated decay, it is expected to disrupt the last 33 amino acid(s) of the PLA2G5 protein and extend the protein by 76 additional amino acid residues.